The following is an entry in ClinVar:

ClinVar aggregate classification (germline): Pathogenic (1 of 4 stars; one submission).

Conditions:
Diamond-Blackfan anemia. Also called: Blackfan Diamond syndrome; Aregenerative anemia chronic congenital; Red cell aplasia, pure hereditary; Congenital hypoplastic anemia; Aase syndrome. Identifiers: Orphanet 124, MedGen C1260899, MeSH D029503, MONDO:0015253, HP:0004810.
GATA binding protein 1 related thrombocytopenia with dyserythropoiesis. Also called: GATA1-Related X-Linked Cytopenia; GATA1-Related Cytopenia. Identifiers: MedGen C1845837, MONDO:0100089.

Submission:

Labcorp Genetics (formerly Invitae), Labcorp
Classification: Pathogenic for GATA binding protein 1 related thrombocytopenia with dyserythropoiesis; Diamond-Blackfan anemia. Last evaluated: 2022-09-28. Review status: criteria provided, single submitter. Criteria: Invitae Variant Classification Sherloc (09022015). Collection method: clinical testing. Allele origin: germline.
Comment: This sequence change creates a premature translational stop signal (p.Ala57Valfs*81) in the GATA1 gene. It is expected to result in an absent or disrupted protein product. Loss-of-function variants in GATA1 are known to be pathogenic (PMID: 16783379, 22706301, 23704091, 24453067). This variant is not present in population databases (gnomAD no frequency). This variant has not been reported in the literature in individuals affected with GATA1-related conditions. For these reasons, this variant has been classified as Pathogenic.

Literature cited by the submitters: PubMed 16783379; PubMed 22706301; PubMed 23704091; PubMed 24453067.

NM_002049.4(GATA1):c.169_170insTG (p.Ala57fs)

Gene: GATA1 (GATA binding protein 1; plus strand). Cytogenetic location: Xp11.23.
Variant type: Insertion.
Coding change: c.169_170insTG on transcript NM_002049.4 (MANE Select); coding-DNA positions 169 to 170, TG inserted.
Protein change: p.Ala57fs; shifts the reading frame from alanine 57.
Molecular consequence: frameshift variant.
Genome position: GRCh38 VCF-style: chrX-48791277-A-AGT. GRCh37 (hg19) VCF-style: chrX-48649684-A-AGT.
Other names: short protein forms A57fs.
Identifiers: ClinVar variation 2031831 (VCV002031831.4), dbSNP rs2519343812, ClinGen allele CA2580101162.